The following is an entry in ClinVar:

ClinVar aggregate classification (germline): Uncertain significance (1 of 4 stars; one submission).

Conditions:
Amyotrophic lateral sclerosis type 1 (ALS1). Also called: AMYOTROPHIC LATERAL SCLEROSIS 1, FAMILIAL. Identifiers: Orphanet 803, MedGen C1862939, MONDO:0007103, OMIM 105400.

gnomAD v4.1: 2 of 1,614,200 alleles (0.00012%); highest among the groups gnomAD compares: African/African-American, 0.0027%; no homozygotes.

Submission:

Labcorp Genetics (formerly Invitae), Labcorp
Classification: Uncertain significance for Amyotrophic lateral sclerosis type 1. Last evaluated: 2025-08-13. Review status: criteria provided, single submitter. Criteria: Invitae Variant Classification Sherloc (09022015). Collection method: clinical testing. Allele origin: germline.
Comment: This sequence change replaces aspartic acid, which is acidic and polar, with glutamic acid, which is acidic and polar, at codon 97 of the SOD1 protein (p.Asp97Glu). This variant is present in population databases (rs111229903, gnomAD 0.007%). This variant has not been reported in the literature in individuals affected with SOD1-related conditions. Invitae Evidence Modeling of protein sequence and biophysical properties (such as structural, functional, and spatial information, amino acid conservation, physicochemical variation, residue mobility, and thermodynamic stability) indicates that this missense variant is not expected to disrupt SOD1 protein function with a negative predictive value of 95%. In summary, the available evidence is currently insufficient to determine the role of this variant in disease. Therefore, it has been classified as a Variant of Uncertain Significance.

NM_000454.5(SOD1):c.291T>A (p.Asp97Glu)

Gene: SOD1 (superoxide dismutase 1; plus strand). Cytogenetic location: 21q22.11.
Variant type: single nucleotide variant.
Coding change: c.291T>A on transcript NM_000454.5 (MANE Select); coding-DNA position 291, T replaced by A.
Protein change: p.Asp97Glu; replaces aspartic acid 97 with glutamic acid.
Molecular consequence: missense variant.
Genome position (GRCh38, 1-based): chr21:31,667,309, T>A. VCF-style: chr21-31667309-T-A. GRCh37 (hg19) VCF-style: chr21-33039622-T-A.
Other names: short protein forms D97E.
Identifiers: ClinVar variation 4711341 (VCV004711341.1).